The following is an entry in ClinVar:

ClinVar aggregate classification (germline): Likely benign (1 of 4 stars; one submission).

Submission:

CeGaT Center for Human Genetics Tuebingen
Classification: Likely benign. Last evaluated: 2022-07-01. Review status: criteria provided, single submitter. Criteria: CeGaT Center For Human Genetics Tuebingen Variant Classification Criteria Version 2. Collection method: clinical testing. Allele origin: germline. Affected: yes. Observed: 1 variant allele.
Comment: STARD9: PM2:Supporting, BP4, BP7

NM_020759.3(STARD9):c.10869A>G (p.Pro3623=)

Gene: STARD9 (StAR related lipid transfer domain containing 9; plus strand). Cytogenetic location: 15q15.2.
Variant type: single nucleotide variant.
Coding change: c.10869A>G on transcript NM_020759.3 (MANE Select); coding-DNA position 10869, A replaced by G.
Protein change: p.Pro3623=; no amino-acid change (proline 3623 retained).
Molecular consequence: synonymous variant.
Genome position (GRCh38, 1-based): chr15:42,692,447, A>G. VCF-style: chr15-42692447-A-G. GRCh37 (hg19) VCF-style: chr15-42984645-A-G.
Identifiers: ClinVar variation 2645247 (VCV002645247.24), dbSNP rs2505884337, ClinGen allele CA490009088.
Genomic context (GRCh38, chr15:42,692,447, plus strand): 5'-GCCCCCCTTGGCCAAAGGAAGTGCTGCAGGTCCAGTGGATGAGATTATGCTGCTGTATCC[A>G]TCAGAGGCAGGCTGCCCTGTGGGACAGACCAGGACGAACACATTCGAACAGGGCACACAG-3'
Protein context (NP_065810.2, residues 3613-3633): GPVDEIMLLY[Pro3623=]SEAGCPVGQT